The following is an entry in ClinVar:

NM_001371072.1(USP11):c.2420G>A (p.Arg807Gln)

Gene: USP11 (ubiquitin specific peptidase 11; plus strand). Cytogenetic location: Xp11.3.
Variant type: single nucleotide variant.
Coding change: c.2420G>A on transcript NM_001371072.1 (MANE Select); coding-DNA position 2420, G replaced by A.
Protein change: p.Arg807Gln; replaces arginine 807 with glutamine.
Molecular consequence: missense variant.
Genome position (GRCh38, 1-based): chrX:47,247,221, G>A. VCF-style: chrX-47247221-G-A. GRCh37 (hg19) VCF-style: chrX-47106620-G-A.
Other names: NC_000023.10:g.47106620G>A; short protein forms R807Q.
Identifiers: ClinVar variation 982432 (VCV000982432.2), dbSNP rs2055439072, ClinGen allele CA412836866.

ClinVar aggregate classification (germline): Uncertain significance (1 of 4 stars; one submission).

Allele frequency attached by ClinVar (database versions not stated): TOPMed below 0.00001; gnomAD 0.00001.

Submissions (2):

HudsonAlpha Institute for Biotechnology
Classification: Uncertain significance. Last evaluated: 2020-07-27. Review status: criteria provided, single submitter. Criteria: ACMG Guidelines, 2015. Collection method: research. Allele origin: maternal. Observed: 1 variant allele. Study: CSER-SouthSeq.
Comment: ACMG codes:PM2, PP3

Dr. Peter K. Rogan Lab, Western University
No classification provided (evidence only). Condition: Melanoma. Review status: no classification provided. Collection method: in vitro. Allele origin: not applicable. Functional consequence: retained intron. Not counted in ClinVar's aggregate classification.